The following is an entry in ClinVar:

ClinVar aggregate classification (germline): Uncertain significance (1 of 4 stars; one submission).

Conditions:
Wilson disease (WND). Also called: Wilson's disease. Identifiers: Orphanet 905, MedGen C0019202, MONDO:0010200, OMIM 277900. Disease mechanism: loss of function.

gnomAD v4.1: 3 of 1,614,038 alleles (0.00019%); highest among the groups gnomAD compares: African/African-American, 0.0013%; no homozygotes.

Submission:

Color Diagnostics, LLC DBA Color Health
Classification: Uncertain significance for Wilson disease. Last evaluated: 2023-10-11. Review status: criteria provided, single submitter. Criteria: ACMG Guidelines, 2015. Collection method: clinical testing. Allele origin: germline.
Comment: This missense variant replaces arginine with serine at codon 465 of the ATP7B protein. Computational prediction suggests that this variant may not impact protein structure and function (internally defined REVEL score threshold <= 0.5, PMID: 27666373). To our knowledge, functional studies have not been reported for this variant. This variant has not been reported in individuals affected with ATP7B-related disorders in the literature. This variant has not been identified in the general population by the Genome Aggregation Database (gnomAD). The available evidence is insufficient to determine the role of this variant in disease conclusively. Therefore, this variant is classified as a Variant of Uncertain Significance.

NM_000053.4(ATP7B):c.1395G>T (p.Arg465Ser)

Gene: ATP7B (ATPase copper transporting beta; minus strand). Cytogenetic location: 13q14.3.
Variant type: single nucleotide variant.
Coding change: c.1395G>T on transcript NM_000053.4 (MANE Select); coding-DNA position 1395, G replaced by T.
Protein change: p.Arg465Ser; replaces arginine 465 with serine.
Molecular consequence: missense variant. On other transcripts: intron variant (1).
Genome position (GRCh38, 1-based): chr13:51,970,640, C>A on the plus strand (G>T on the coding strand, the complement: ATP7B is on the minus strand). VCF-style: chr13-51970640-C-A. GRCh37 (hg19) VCF-style: chr13-52544776-C-A.
Other names: c.1395G>T, p.Arg465Ser (NM_001005918.3, NM_001330578.2, NM_001330579.2 and 28 more transcripts); c.1062G>T, p.Arg354Ser (NM_001243182.2); c.1299G>T, p.Arg433Ser (NM_001406517.1, NM_001406518.1, NM_001406543.1 and 3 more transcripts); c.966G>T, p.Arg322Ser (NM_001406539.1); c.1285+3295G>T (NM_001406548.1); short protein forms R322S, R354S, R433S, R465S.
Identifiers: ClinVar variation 3894400 (VCV003894400.1).
Genomic context (GRCh38, chr13:51,970,640, plus strand): 5'-CACTGCTCTGGTTGATTGTGGGGACTTTGCCAAGATGTCCGGGGCATGGTTTGCAGGGAG[C>A]CTCCCAGTGTGGGGAGCCACTTCCTGCACAGATGTAGGTGTACCATCTGTAGTTTGCACC-3'
Protein context (NP_000044.2, residues 455-475): SVQEVAPHTG[Arg465Ser]LPANHAPDIL